The following is an entry in ClinVar:

NM_023110.3(FGFR1):c.2457_*2del (p.Leu819_Ter823delinsXaa)

Gene: FGFR1 (fibroblast growth factor receptor 1; minus strand). Cytogenetic location: 8p11.23.
Variant type: Deletion.
Coding change: c.2457_*2del on transcript NM_023110.3 (MANE Select); coding-DNA position 2457 through 2 bases downstream of the stop codon, 15 bases deleted (CAAACGCCGCTGACT).
Protein change: p.Leu819_Ter823delinsXaa.
Molecular consequence: stop lost. On other transcripts: intron variant (3).
Genome position (GRCh38, 1-based): chr8:38,413,626-38,413,640, AGTCAGCGGCGTTTG deleted on the plus strand (CAAACGCCGCTGACT on the coding strand, the reverse complement: FGFR1 is on the minus strand); deleting any 15 consecutive bases within chr8:38,413,626-38,413,644 gives the same sequence; the c. name uses the placement nearest the transcript's 3' end. VCF-style (leftmost placement, unchanged base first): chr8-38413625-CAGTCAGCGGCGTTTG-C. GRCh37 (hg19) VCF-style: chr8-38271143-CAGTCAGCGGCGTTTG-C.
Other names: c.2019+278_2019+292del (NM_001354370.2); c.2286+278_2286+292del (NM_001354367.2); c.2280+278_2280+292del (NM_001354369.2); c.2451_*2del, p.Leu817_Ter821delinsXaa (NM_001174063.2, NM_001174065.2, NM_015850.4); c.2427_*2del, p.Leu809_Ter813delinsXaa (NM_001174064.2); c.2190_*2del, p.Leu730_Ter734delinsXaa (NM_001174066.2, NM_023105.3); c.2550_*2del, p.Leu850_Ter854delinsXaa (NM_001174067.2); c.2178_*2del, p.Leu726_Ter730delinsXaa (NM_001354368.2); and 2 more.
Identifiers: ClinVar variation 4530553 (VCV004530553.1).
Genomic context (GRCh38, chr8:38,413,625, plus strand): 5'-GCAGGGGCTGTGGGTGAGGGTTACAGCTGACGGTGGAGTCTGGGGAGGGCGTGTGGGTGG[CAGTCAGCGGCGTTTG>C]AGTCCGCCATTGGCAAGCTGGGCTGGGTGTCGGGGCAGGCAGGGCTCCTCGGGCAGCGGC-3'

ClinVar aggregate classification (somatic clinical impact): Tier II - Potential (1 of 4 stars; one submission).

Conditions:
Pilocytic astrocytoma. Also called: Pilocytic astrocytoma, somatic. Identifiers: Orphanet 251612, MedGen C0334583, MONDO:0016691, HP:0033680.

Submission:

Institute for Genomic Medicine (IGM) Clinical Laboratory, Nationwide Children's Hospital
Classification: Tier II - Potential for Pilocytic astrocytoma. Assertion type: diagnostic. Clinical significance: supports diagnosis. Last evaluated: 2024-05-10. Review status: criteria provided, single submitter. Criteria: AMP/ASCO/CAP Guidelines, 2017. Collection method: clinical testing. Allele origin: somatic. Affected: yes.
Comment: Variant has Tier II (potential) clinical significance as a diagnostic inclusion criterion in pilocytic astrocytoma, based on the following evidence: 1) Appears in one or more well-established professional guidelines (e.g., World Health Organization [WHO]; National Comprehensive Cancer Network [NCCN]) as providing diagnostic, prognostic, or therapeutic information. 2) Diagnostic significance based on multiple small studies (Evidence Level C; PMIDs: 32289278, 23817572, 23583981, 28912153, 24750136).

Literature cited by the submitters: PubMed 32289278; PubMed 23817572; PubMed 23583981; PubMed 28912153; PubMed 24750136.